The following is an entry in ClinVar:

NM_207111.4(RNF216):c.1527G>A (p.Arg509=)

Gene: RNF216 (ring finger protein 216; minus strand). Cytogenetic location: 7p22.1.
Variant type: single nucleotide variant.
Coding change: c.1527G>A on transcript NM_207111.4 (MANE Select); coding-DNA position 1527, G replaced by A.
Protein change: p.Arg509=; no amino-acid change (arginine 509 retained).
Molecular consequence: synonymous variant.
Genome position (GRCh38, 1-based): chr7:5,721,150, C>T on the plus strand (G>A on the coding strand, the complement: RNF216 is on the minus strand). VCF-style: chr7-5721150-C-T. GRCh37 (hg19) VCF-style: chr7-5760781-C-T.
Other names: c.1356G>A, p.Arg452= (NM_001377156.1, NM_207116.3).
Identifiers: ClinVar variation 2160577 (VCV002160577.29), dbSNP rs374809313, ClinGen allele CA4148147.

ClinVar aggregate classification (germline): Likely benign. Review status: criteria provided, multiple submitters, no conflicts (2 of 4 stars). 3 submissions from 3 submitters: Likely benign (3). Last evaluated 2025-01-01.

Allele frequency attached by ClinVar (database versions not stated): ExAC 0.00010; TOPMed 0.00014; ESP Exome Variant Server 0.00015; gnomAD exomes 0.00018; gnomAD 0.00019.
gnomAD v4.1: 291 of 1,613,866 alleles (0.018%); highest among the groups gnomAD compares: Non-Finnish European, 0.023%; no homozygotes.

Submissions (3):

CeGaT Center for Human Genetics Tuebingen
Classification: Likely benign. Last evaluated: 2025-01-01. Review status: criteria provided, single submitter. Criteria: CeGaT Center For Human Genetics Tuebingen Variant Classification Criteria Version 2. Collection method: clinical testing. Allele origin: germline. Affected: yes. Observed: 3 variant alleles.
Comment: RNF216: BP4, BP7

Blueprint Genetics
Classification: Likely benign. Last evaluated: 2024-11-26. Review status: criteria provided, single submitter. Criteria: ACMG Guidelines, 2015. Collection method: clinical testing. Allele origin: germline.

Labcorp Genetics (formerly Invitae), Labcorp
Classification: Likely benign. Last evaluated: 2023-01-05. Review status: criteria provided, single submitter. Criteria: Invitae Variant Classification Sherloc (09022015). Collection method: clinical testing. Allele origin: germline.